The following is an entry in ClinVar:

ClinVar aggregate classification (germline): Pathogenic. Review status: reviewed by expert panel (3 of 4 stars). 4 submissions from 3 submitters: Pathogenic (1). 3 of the submissions do not count toward it. Last evaluated 2025-12-16.

Conditions:
ABCA4-related disorder. Also called: ABCA4-related condition; ABCA4-related disorders. Identifiers: MedGen CN239167.
Retinal dystrophy. Also called: Inherited retinal dystrophy. Identifiers: Orphanet 71862, MedGen C0854723, MeSH D058499, MONDO:0019118, HP:0000556.
ABCA4-related retinopathy. Also called: ABCA4-related retinoapthy; ABCA4 retinoapthy. Identifiers: MedGen CN322612, MONDO:0800406.
Severe early-childhood-onset retinal dystrophy (STGD1). Also called: Stargardt macular dystrophy; Juvenile onset macular degeneration; Stargardt disease 1; STGD; MACULAR DYSTROPHY WITH FLECKS, TYPE 1. Identifiers: Orphanet 364055, Orphanet 827, MedGen C1855465, MeSH D000080362, MONDO:0009549, OMIM 248200.

Submissions (4):

ClinGen ABCA4 Variant Curation Expert Panel, Clingen
Classification: Pathogenic for ABCA4-related retinopathy. Last evaluated: 2025-12-16. Review status: reviewed by expert panel. Criteria: ClinGen ABCA4 ACMG Specifications V1.0.0. Collection method: curation. Allele origin: germline. Inheritance: Autosomal recessive inheritance.
Comment: The NM_000350.3:c.4195G>T (p.Glu1399Ter) variant in ABCA4 is a frameshift variant predicted to cause a premature stop codon in biologically relevant exon 28/50 leading to nonsense mediated decay in a gene in which loss-of-function is an established disease mechanism (PVS1). The total minor allele frequency in gnomAD v4.1.0 is 0.0000018 (3/1613986 alleles), which is lower than the ClinGen ABCA4 VCEP’s threshold for PM2_Supporting (<0.0001). At least one proband was reported meeting criteria for ABCA4-related retinopathy (PP4, PMID:26161775). The variant has been reported to segregate with ABCA4-related retinopathy in the proband and 2 similarly affected relatives (PP1_Moderate; PMID:26161775). In summary, this variant meets the criteria to be classified as pathogenic for ABCA4-related retinopathy based on the ACMG/AMP criteria applied, as specified by the ClinGen ABCA4 VCEP (Specification Version 1.0.0): PVS1, PP4, PP1_Moderate, PM2_Supporting.

Illumina Laboratory Services, Illumina
Classification: Likely pathogenic for ABCA4-Related Disorders. Last evaluated: 2019-01-09. Review status: criteria provided, single submitter. Criteria: ICSL Variant Classification Criteria 09 May 2019. Collection method: clinical testing. Allele origin: germline. Not counted in ClinVar's aggregate classification.
Comment: The ABCA4 c.4195G>T (p.Glu1399Ter) variant is a stop-gained variant predicted to result in premature termination of the protein. The variant has been reported in three studies in which it is identified in a compound heterozygous state in six individuals with Stargardt disease (Rivera et al. 2000; Xin et al. 2015; Schulz et al. 2017). Three of these individuals are siblings and carry the p.Glu1399Ter variant and a reported pathogenic missense variant, each inherited from one of their unaffected carrier parents (Xin et al. 2015). The variant has not been reported in the literature in association with autosomal recessive cone rod dystrophy, autosomal recessive retinitis pigmentosa, or autosomal dominant macular degeneration. The p.Glu1399Ter variant was absent from 632 control subjects and is reported at a frequency of 0.000174 in the East Asian population of the Genome Aggregation Database. Based on the evidence and the potential impact of stop-gained variants, the p.Glu1399Ter variant is classified as likely pathogenic for ABCA4-related disorders. This variant was observed by ICSL as part of a predisposition screen in an ostensibly healthy population.

Institute of Human Genetics, Univ. Regensburg, Univ. Regensburg
Classification: Pathogenic for Severe early-childhood-onset retinal dystrophy. Last evaluated: 2016-01-01. Review status: criteria provided, single submitter. Criteria: Schulz et al. (Invest Ophthalmol Vis Sci. 2017). Collection method: clinical testing. Allele origin: germline. Affected: yes. Observed: 1 heterozygote. Not counted in ClinVar's aggregate classification.

Institute of Human Genetics, Univ. Regensburg, Univ. Regensburg
Classification: Pathogenic for Retinal dystrophy. Last evaluated: 2012-01-01. Review status: criteria provided, single submitter. Criteria: ACMG Guidelines, 2015. Collection method: clinical testing. Allele origin: germline. Affected: yes. Not counted in ClinVar's aggregate classification.

Literature cited by the submitters: PubMed 28118664 (cited by Illumina Laboratory Services, Illumina); PubMed 26161775 (cited by Illumina Laboratory Services, Illumina and Institute of Human Genetics, Univ. Regensburg, Univ. Regensburg); PubMed 10958763 (cited by Illumina Laboratory Services, Illumina); PubMed 3196484 (cited by Institute of Human Genetics, Univ. Regensburg, Univ. Regensburg).

NM_000350.3(ABCA4):c.4195G>T (p.Glu1399Ter)

Gene: ABCA4 (ATP binding cassette subfamily A member 4; minus strand). Cytogenetic location: 1p22.1.
Variant type: single nucleotide variant.
Coding change: c.4195G>T on transcript NM_000350.3 (MANE Select); coding-DNA position 4195, G replaced by T.
Protein change: p.Glu1399Ter; replaces glutamic acid 1399 with a stop codon.
Molecular consequence: nonsense.
Genome position (GRCh38, 1-based): chr1:94,031,054, C>A on the plus strand (G>T on the coding strand, the complement: ABCA4 is on the minus strand). VCF-style: chr1-94031054-C-A. GRCh37 (hg19) VCF-style: chr1-94496610-C-A.
Other names: NM_000350.3(ABCA4):c.4195G>T; p.Glu1399Ter; c.3973G>T, p.Glu1325Ter (NM_001425324.1); short protein forms E1399*, E1325*.
Identifiers: ClinVar variation 236109 (VCV000236109.7), dbSNP rs62642573, ClinGen allele CA957690.